The following is an entry in ClinVar:

NM_001457.4(FLNB):c.7342G>A (p.Gly2448Ser)

Genes: FLNB (filamin B; plus strand), FLNB-AS1 (FLNB antisense RNA 1; minus strand). Cytogenetic location: 3p14.3.
Variant type: single nucleotide variant.
Coding change: c.7342G>A on transcript NM_001457.4 (MANE Select); coding-DNA position 7342, G replaced by A.
Protein change: p.Gly2448Ser; replaces glycine 2448 with serine.
Molecular consequence: missense variant.
Genome position (GRCh38, 1-based): chr3:58,168,583, G>A. VCF-style: chr3-58168583-G-A. GRCh37 (hg19) VCF-style: chr3-58154310-G-A.
Other names: c.7435G>A, p.Gly2479Ser (NM_001164317.2); c.7309G>A, p.Gly2437Ser (NM_001164318.2); c.7270G>A, p.Gly2424Ser (NM_001164319.2); short protein forms G2424S, G2437S, G2448S, G2479S.
Identifiers: ClinVar variation 5019738 (VCV005019738.2).

ClinVar aggregate classification (germline): Uncertain significance (1 of 4 stars; one submission).

Conditions:
Atelosteogenesis type III. Also called: Atelosteogenesis Type 3 (FLNB-AO3). Identifiers: Orphanet 56305, MedGen C3668942, MONDO:0007168, OMIM 108721.
Atelosteogenesis type I. Also called: Atelosteogenesis Type 1 (FLNB-AO1); SPONDYLOHUMEROFEMORAL HYPOPLASIA; GIANT CELL CHONDRODYSPLASIA. Identifiers: Orphanet 1190, MedGen C0265283, MONDO:0007167, OMIM 108720.
Boomerang dysplasia. Identifiers: Orphanet 1263, MedGen C0432201, MONDO:0007208, OMIM 112310.
Spondylocarpotarsal synostosis syndrome (SCT). Also called: Spondylocarpotarsal Synostosis Syndrome (FLNB-SCT); SPONDYLOCARPOTARSAL SYNDROME; VERTEBRAL FUSION WITH CARPAL COALITION; Synspondylism congenital; Scoliosis, congenital with unilateral unsegmented bar. Identifiers: Orphanet 3275, MedGen C1848934, MONDO:0010094, OMIM 272460.
Larsen syndrome (LRS). Also called: Larsen syndrome (FLNB-LS); Bilateral dislocation of the knees, pes cavus, cylindrically shaped fingers and characteristic facies. Identifiers: Orphanet 503, MedGen C0175778, MONDO:0007875, OMIM 150250. Disease mechanism: loss of function.

gnomAD v4.1: 6 of 1,614,186 alleles (0.00037%); highest among the groups gnomAD compares: Non-Finnish European, 0.00042%; no homozygotes.

Submission:

Juno Genomics, Hangzhou Juno Genomics, Inc
Classification: Uncertain significance for Spondylocarpotarsal synostosis syndrome; Atelosteogenesis type I; Atelosteogenesis type III; Boomerang dysplasia; Larsen syndrome. Review status: criteria provided, single submitter. Criteria: ACMG Guidelines, 2015. Collection method: clinical testing. Allele origin: germline.
Comment: Absent from controls (or at extremely low frequency if recessive) in Genome Aggregation Database.;Missense variant in a gene that has a low rate of benign missense variation.;Multiple lines of computational evidence support a deleterious effect on the gene or gene product.